The following is an entry in ClinVar:

ClinVar aggregate classification (germline): Conflicting classifications of pathogenicity. Review status: criteria provided, conflicting classifications (1 of 4 stars). 2 submissions from 2 submitters: Pathogenic (1); Uncertain significance (1). Last evaluated 2025-11-17.

Conditions:
Hereditary cancer-predisposing syndrome. Also called: Hereditary neoplastic syndrome; Neoplastic Syndromes, Hereditary; Hereditary Cancer Syndrome; Tumor predisposition. Identifiers: Orphanet 140162, MedGen C0027672, MeSH D009386, MONDO:0015356.

Allele frequency attached by ClinVar (database versions not stated): gnomAD exomes below 0.00001; gnomAD 0.00001.
gnomAD v4.1: 13 of 1,613,988 alleles (0.00081%); highest among the groups gnomAD compares: African/African-American, 0.0013%; no homozygotes.

Submissions (3):

Labcorp Genetics (formerly Invitae), Labcorp
Classification: Pathogenic. Last evaluated: 2025-11-17. Review status: criteria provided, single submitter. Criteria: Invitae Variant Classification Sherloc (09022015). Collection method: clinical testing. Allele origin: germline.
Comment: This sequence change affects codon 222 of the POLE mRNA. It is a 'silent' change, meaning that it does not change the encoded amino acid sequence of the POLE protein. RNA analysis indicates that this variant induces altered splicing and may result in an absent or altered protein product. The frequency data for this variant in the population databases is considered unreliable, as metrics indicate poor data quality at this position in the gnomAD database. This variant has not been reported in the literature in individuals affected with POLE-related conditions. ClinVar contains an entry for this variant (Variation ID: 540809). Studies have shown that this variant results in activation of a cryptic splice site , and produces a non-functional protein and/or introduces a premature termination codon (internal data). For these reasons, this variant has been classified as Pathogenic.

Ambry Genetics
Classification: Uncertain significance for Hereditary cancer-predisposing syndrome. Last evaluated: 2025-01-22. Review status: criteria provided, single submitter. Criteria: Ambry Variant Classification Scheme 2023. Collection method: clinical testing. Allele origin: germline.
Comment: The c.666C>T variant (also known as p.R222R), located in coding exon 7 of the POLE gene, results from a C to T substitution at nucleotide position 666. This nucleotide substitution does not change the arginine at codon 222. This nucleotide position is poorly conserved in available vertebrate species. In silico splice site analysis predicts that this alteration will result in the creation or strengthening of a novel splice donor site. RNA studies have demonstrated that this alteration results in abnormal splicing in the set of samples tested (Ambry internal data). Based on the supporting evidence, this alteration is likely pathogenic for POLE deficiency; however, the association of this alteration with POLE-related polymerase proofreading-associated polyposis (PPAP) and POLE-related CMMRD-like syndrome is unknown.

Dr. Peter K. Rogan Lab, Western University
No classification provided (evidence only). Condition: Gastric cancer. Review status: no classification provided. Collection method: in vitro. Allele origin: not applicable. Functional consequence: retained intron. Not counted in ClinVar's aggregate classification.

NM_006231.4(POLE):c.666C>T (p.Arg222=)

Gene: POLE (DNA polymerase epsilon, catalytic subunit; minus strand). Cytogenetic location: 12q24.33.
Variant type: single nucleotide variant.
Coding change: c.666C>T on transcript NM_006231.4 (MANE Select); coding-DNA position 666, C replaced by T.
Protein change: p.Arg222=; no amino-acid change (arginine 222 retained).
Molecular consequence: synonymous variant.
Genome position (GRCh38, 1-based): chr12:132,677,632, G>A on the plus strand (C>T on the coding strand, the complement: POLE is on the minus strand). VCF-style: chr12-132677632-G-A. GRCh37 (hg19) VCF-style: chr12-133254218-G-A.
Identifiers: ClinVar variation 540809 (VCV000540809.14), dbSNP rs1357052511, ClinGen allele CA482849874.
Genomic context (GRCh38, chr12:132,677,632, plus strand): 5'-ACTCACCACGTGGATCTTCAGGTCAATGGAGAGGCGGATGTGGTAGGGAACATCGTACTC[G>A]CGCATGTCCACAATGTTGTCCAACTGGTCAGCTATCTTCTTAGAGGTTTCCTCTTCATCA-3'
Protein context (NP_006222.2, residues 212-232): ADQLDNIVDM[Arg222=]EYDVPYHIRL